The following is an entry in ClinVar:

NM_000038.6(APC):c.4732T>C (p.Cys1578Arg)

Gene: APC (APC regulator of Wnt signaling pathway; plus strand). Cytogenetic location: 5q22.2.
Variant type: single nucleotide variant.
Coding change: c.4732T>C on transcript NM_000038.6 (MANE Select); coding-DNA position 4732, T replaced by C.
Protein change: p.Cys1578Arg; replaces cysteine 1578 with arginine.
Molecular consequence: missense variant.
Genome position (GRCh38, 1-based): chr5:112,840,326, T>C. VCF-style: chr5-112840326-T-C. GRCh37 (hg19) VCF-style: chr5-112176023-T-C.
Other names: c.4732T>C, p.Cys1578Arg (NM_001127510.3, NM_001354895.2); c.4678T>C, p.Cys1560Arg (NM_001127511.3); c.4786T>C, p.Cys1596Arg (NM_001354896.2); c.4762T>C, p.Cys1588Arg (NM_001354897.2); c.4657T>C, p.Cys1553Arg (NM_001354898.2); c.4648T>C, p.Cys1550Arg (NM_001354899.2); c.4609T>C, p.Cys1537Arg (NM_001354900.2); c.4555T>C, p.Cys1519Arg (NM_001354901.2); and 5 more; short protein forms C1418R, C1537R, C1596R, C1452R, C1578R, C1487R, C1560R, C1295R.
Identifiers: ClinVar variation 639656 (VCV000639656.13), dbSNP rs138367627, ClinGen allele CA16031711.

ClinVar aggregate classification (germline): Conflicting classifications of pathogenicity. Review status: criteria provided, conflicting classifications (1 of 4 stars). 3 submissions from 3 submitters: Likely pathogenic (2); Uncertain significance (1). Last evaluated 2024-09-09.

Conditions:
Classic or attenuated familial adenomatous polyposis. Identifiers: MedGen CN372698, MONDO:0021057.
Familial adenomatous polyposis 1 (FAP1). Also called: POLYPOSIS, ADENOMATOUS INTESTINAL; FAMILIAL ADENOMATOUS POLYPOSIS 1, ATTENUATED. Identifiers: MedGen C2713442, MONDO:0021056, OMIM 175100. Disease mechanism: loss of function.
Hereditary cancer-predisposing syndrome. Also called: Neoplastic Syndromes, Hereditary; Tumor predisposition; Hereditary Cancer Syndrome; Hereditary neoplastic syndrome. Identifiers: Orphanet 140162, MedGen C0027672, MeSH D009386, MONDO:0015356.

Submissions (3):

Labcorp Genetics (formerly Invitae), Labcorp
Classification: Likely pathogenic for Familial adenomatous polyposis 1. Last evaluated: 2024-09-09. Review status: criteria provided, single submitter. Criteria: Invitae Variant Classification Sherloc (09022015). Collection method: clinical testing. Allele origin: germline.
Comment: This sequence change replaces cysteine, which is neutral and slightly polar, with arginine, which is basic and polar, at codon 1578 of the APC protein (p.Cys1578Arg). This variant is not present in population databases (gnomAD no frequency). This missense change has been observed in individuals with polyposis and colon cancer (external communication, internal data). It has also been observed to segregate with disease in related individuals. ClinVar contains an entry for this variant (Variation ID: 639656). Invitae Evidence Modeling of protein sequence and biophysical properties (such as structural, functional, and spatial information, amino acid conservation, physicochemical variation, residue mobility, and thermodynamic stability) has been performed for this missense variant. However, the output from this modeling did not meet the statistical confidence thresholds required to predict the impact of this variant on APC protein function. In summary, the currently available evidence indicates that the variant is pathogenic, but additional data are needed to prove that conclusively. Therefore, this variant has been classified as Likely Pathogenic.

Ambry Genetics
Classification: Likely pathogenic for Hereditary cancer-predisposing syndrome. Last evaluated: 2024-03-22. Review status: criteria provided, single submitter. Criteria: Ambry Variant Classification Scheme 2023. Collection method: clinical testing. Allele origin: germline.
Comment: The p.C1578R variant (also known as c.4732T>C), located in coding exon 15 of the APC gene, results from a T to C substitution at nucleotide position 4732. The cysteine at codon 1578 is replaced by arginine, an amino acid with highly dissimilar properties. This alteration has been observed in individuals with a personal and/or family history that is consistent with APC-related disease (Ambry internal data). Another alteration at the same codon, p.C1578G (c.4732T>G), has been detected in multiple individuals with colorectal polyposis, and it is located in a conserved SAMP repeat that functions as an Axin binding domain (Azzopardi et al. Cancer Res. 2008 Jan;68:358-63; Minde DP et al. Mol. Cancer. 2011 Aug;10:101; Spink KE et al. EMBO J. 2000 May;19:2270&ndash;9; Ambry internal data). This amino acid position is highly conserved in available vertebrate species. In addition, in silico predictors for this gene do not accurately predict pathogenicity. This variant is considered to be rare based on population cohorts in the Genome Aggregation Database (gnomAD). Based on the majority of available evidence to date, this variant is likely to be pathogenic.

Department of Pathology and Laboratory Medicine, Sinai Health System
Classification: Uncertain significance for classic or attenuated familial adenomatous polyposis. Last evaluated: 2019-12-30. Review status: criteria provided, single submitter. Criteria: ACMG Guidelines, 2015. Collection method: clinical testing. Allele origin: germline. Affected: yes.